The following is an entry in ClinVar:

ClinVar aggregate classification (germline): Benign/Likely benign. Review status: criteria provided, multiple submitters, no conflicts (2 of 4 stars). 4 submissions from 4 submitters: Benign (3); Likely benign (1). Last evaluated 2026-02-04.

Conditions:
Primary dilated cardiomyopathy (DCM). Also called: Dilated Cardiomyopathy. Identifiers: Orphanet 217604, MedGen C0007193, MeSH D002311, MONDO:0005021, HP:0001644. Inheritance: Various modes of inheritance.

Allele frequency attached by ClinVar (database versions not stated): TOPMed 0.00355; ESP Exome Variant Server 0.00508; 1000 Genomes Project 30x 0.00125; 1000 Genomes Project 0.00120; gnomAD 0.00252.
gnomAD v4.1: 7,942 of 1,516,648 alleles (0.52%); highest among the groups gnomAD compares: Non-Finnish European, 0.67%; 32 homozygotes.

Submissions (6):

Labcorp Genetics (formerly Invitae), Labcorp
Classification: Benign for Primary dilated cardiomyopathy. Last evaluated: 2026-02-04. Review status: criteria provided, single submitter. Criteria: Invitae Variant Classification Sherloc (09022015). Collection method: clinical testing. Allele origin: germline.

Women's Health and Genetics/Laboratory Corporation of America, LabCorp
Classification: Benign. Last evaluated: 2024-01-01. Review status: criteria provided, single submitter. Criteria: LabCorp Variant Classification Summary - May 2015. Collection method: clinical testing. Allele origin: germline.

Laboratory for Molecular Medicine, Mass General Brigham Personalized Medicine
Classification: Likely benign. Last evaluated: 2015-05-18. Review status: criteria provided, single submitter. Criteria: LMM Criteria. Collection method: clinical testing. Allele origin: germline. Observed: 15 variant alleles.
Comment: c.154-11C>A in intron 2 of NEBL: This variant is not expected to have clinical s ignificance because it has been identified in 0.4% (307/64874) European chromoso mes, including 1 homozygote, by the Exome Aggregation Consortium (ExAC; dbSNP rs41277376).

GeneDx
Classification: Benign. Last evaluated: 2014-03-12. Review status: criteria provided, single submitter. Criteria: GeneDx Variant Classification (06012015). Collection method: clinical testing. Allele origin: germline. Affected: yes.
Comment: This variant is considered likely benign or benign based on one or more of the following criteria: it is a conservative change, it occurs at a poorly conserved position in the protein, it is predicted to be benign by multiple in silico algorithms, and/or has population frequency not consistent with disease.

Dr. Peter K. Rogan Lab, Western University
No classification provided (evidence only). Condition: Cervical cancer. Review status: no classification provided. Collection method: in vitro. Allele origin: not applicable. Functional consequence: skipped exon, retained intron. Not counted in ClinVar's aggregate classification.

Dr. Peter K. Rogan Lab, Western University
No classification provided (evidence only). Condition: Malignant tumor of esophagus. Review status: no classification provided. Collection method: in vitro. Allele origin: not applicable. Functional consequence: retained intron. Not counted in ClinVar's aggregate classification.

NM_006393.3(NEBL):c.154-11C>A

Gene: NEBL (nebulette; minus strand). Cytogenetic location: 10p12.31.
Variant type: single nucleotide variant.
Coding change: c.154-11C>A on transcript NM_006393.3 (MANE Select); 11 bases into the intron before coding-DNA position 154, C replaced by A.
Molecular consequence: intron variant.
Genome position (GRCh38, 1-based): chr10:20,889,960, G>T on the plus strand (C>A on the coding strand, the complement: NEBL is on the minus strand). VCF-style: chr10-20889960-G-T. GRCh37 (hg19) VCF-style: chr10-21178889-G-T.
Other names: c.249+71712C>A (NM_001377326.1, NM_001377327.1, NM_001377328.1); c.357+71712C>A (NM_213569.2, NM_001173484.2, NM_001377322.1); c.300+71712C>A (NM_001377324.1); c.291+71712C>A (NM_001377325.1); c.309+71712C>A (NM_001377323.1).
Identifiers: ClinVar variation 45483 (VCV000045483.15), dbSNP rs41277376, ClinGen allele CA136407.